The following is an entry in ClinVar:

ClinVar aggregate classification (germline): Likely benign. Review status: criteria provided, multiple submitters, no conflicts (2 of 4 stars). 3 submissions from 3 submitters: Likely benign (2). 1 of the submissions does not count toward it. Last evaluated 2025-12-30.

Conditions:
Neuromuscular disease caused by qualitative or quantitative defects of dysferlin. Also called: Dysferlinopathy; Qualitative or quantitative defects of dysferlin. Identifiers: Orphanet 207073, MedGen C2931687, MONDO:0016145.
DYSF-related disorder. Also called: DYSF-related condition; DYSF-related disorders.

Allele frequency attached by ClinVar (database versions not stated): TOPMed 0.00003; gnomAD 0.00004 and 0.00006; gnomAD exomes 0.00007; ExAC 0.00009.
gnomAD v4.1: 72 of 1,614,122 alleles (0.0045%); highest among the groups gnomAD compares: South Asian, 0.044%; no homozygotes.

Submissions (3):

Labcorp Genetics (formerly Invitae), Labcorp
Classification: Likely benign for Neuromuscular disease caused by qualitative or quantitative defects of dysferlin. Last evaluated: 2025-12-30. Review status: criteria provided, single submitter. Criteria: Invitae Variant Classification Sherloc (09022015). Collection method: clinical testing. Allele origin: germline.

GeneDx
Classification: Likely benign. Last evaluated: 2016-11-15. Review status: criteria provided, single submitter. Criteria: GeneDx Variant Classification (06012015). Collection method: clinical testing. Allele origin: germline. Affected: yes.
Comment: This variant is considered likely benign or benign based on one or more of the following criteria: it is a conservative change, it occurs at a poorly conserved position in the protein, it is predicted to be benign by multiple in silico algorithms, and/or has population frequency not consistent with disease.

PreventionGenetics, part of Exact Sciences
Classification: Likely benign for DYSF-related condition. Last evaluated: 2021-09-01. Review status: no assertion criteria provided. Collection method: clinical testing. Allele origin: germline. Not counted in ClinVar's aggregate classification.
Comment: This variant is classified as likely benign based on ACMG/AMP sequence variant interpretation guidelines (Richards et al. 2015 PMID: 25741868, with internal and published modifications).

NM_001130987.2(DYSF):c.1320C>T (p.Phe440=)

Gene: DYSF (dysferlin; plus strand). Cytogenetic location: 2p13.2.
Variant type: single nucleotide variant.
Coding change: c.1320C>T on transcript NM_001130987.2 (MANE Select); coding-DNA position 1320, C replaced by T.
Protein change: p.Phe440=; no amino-acid change (phenylalanine 440 retained).
Molecular consequence: synonymous variant.
Genome position (GRCh38, 1-based): chr2:71,528,341, C>T. VCF-style: chr2-71528341-C-T. GRCh37 (hg19) VCF-style: chr2-71755471-C-T.
Other names: c.1227C>T, p.Phe409= (NM_001130455.2, NM_001130983.2, NM_001130984.2 and 1 more transcripts); c.1224C>T, p.Phe408= (NM_001130976.2, NM_001130977.2, NM_001130978.2 and 1 more transcripts); c.1317C>T, p.Phe439= (NM_001130979.2, NM_001130980.2, NM_001130981.2); c.1320C>T, p.Phe440= (NM_001130982.2, NM_001130985.2).
Identifiers: ClinVar variation 390830 (VCV000390830.11), dbSNP rs779669549, ClinGen allele CA1705702.